The following is an entry in ClinVar:

ClinVar aggregate classification (germline): Likely pathogenic (1 of 4 stars; one submission).

Conditions:
Primary ciliary dyskinesia 23 (CILD23). Also called: CILIARY DYSKINESIA, PRIMARY, 23, WITH OR WITHOUT SITUS INVERSUS. Identifiers: Orphanet 244, MedGen C3809548, MONDO:0014193, OMIM 615451.

gnomAD v4.1: 18 of 1,614,174 alleles (0.0011%); highest among the groups gnomAD compares: Non-Finnish European, 0.0014%; no homozygotes.

Submission:

New York Genome Center
Classification: Likely pathogenic for Primary ciliary dyskinesia 23. Last evaluated: 2024-06-12. Review status: criteria provided, single submitter. Criteria: NYGC Assertion Criteria 2020. Collection method: clinical testing. Allele origin: inherited. Affected: yes. Observed: 1 variant allele, 1 compound heterozygote.
Comment: The c.2840C>A variant in ODAD2 has not previously been reported in the literature or public databases (ClinVar and LOVD). The c.2840C>A variant is observed in 18 alleles (~0.001% minor allele frequency with 0 homozygotes) in population databases (gnomAD v4.1.0, TOPMed Freeze 10, All of Us), suggesting it is not a common benign variant in the populations represented in those databases. The c.2840C>A variant in ODAD2 is located in exon 19 of this 20-exon gene, predicted to incorporate a premature termination codon (p.(Ser947Ter)), and is expected to result in loss-of-function via nonsense-mediated decay. A similar loss-of-function variant [c.2855G>A (p.Trp952Ter)] that is downstream to the c.2840C>A variant has been reported in the literature [PMID: 27637300] in an individual with PCD [PMID:27637300]. Based on available evidence, this inherited c.2840C>A, p.(Ser947Ter) variant identified in ODAD2 is classified as Likely Pathogenic.

NM_018076.5(ODAD2):c.2840C>A (p.Ser947Ter)

Gene: ODAD2 (outer dynein arm docking complex subunit 2; minus strand). Cytogenetic location: 10p12.1.
Variant type: single nucleotide variant.
Coding change: c.2840C>A on transcript NM_018076.5 (MANE Select); coding-DNA position 2840, C replaced by A.
Protein change: p.Ser947Ter; replaces serine 947 with a stop codon.
Molecular consequence: nonsense.
Genome position (GRCh38, 1-based): chr10:27,860,806, G>T on the plus strand (C>A on the coding strand, the complement: ODAD2 is on the minus strand). VCF-style: chr10-27860806-G-T. GRCh37 (hg19) VCF-style: chr10-28149735-G-T.
Other names: c.2840C>A, p.Ser947Ter (NM_001290020.2); c.1415C>A, p.Ser472Ter (NM_001290021.2); c.1916C>A, p.Ser639Ter (NM_001312689.2); short protein forms S472*, S639*, S947*.
Identifiers: ClinVar variation 4888376 (VCV004888376.1).